The following is an entry in ClinVar:

ClinVar aggregate classification (germline): Likely benign. Review status: criteria provided, multiple submitters, no conflicts (2 of 4 stars). 2 submissions from 2 submitters: Likely benign (2). Last evaluated 2026-02-19.

Conditions:
PEX12-related disorder. Also called: PEX12-related condition; PEX12-related disorders.
Peroxisome biogenesis disorder 3A (Zellweger). Also called: PEROXISOMAL BIOGENESIS DISORDER 3A (ZELLWEGER); Peroxisome biogenesis disorder 3A. Identifiers: Orphanet 912, MedGen C3553929, MONDO:0013927, OMIM 614859.

Submissions (2):

PreventionGenetics, part of Exact Sciences
Classification: Likely benign for PEX12-related condition. Last evaluated: 2026-02-19. Review status: criteria provided, single submitter. Criteria: ACMG Guidelines, 2015. Collection method: clinical testing. Allele origin: germline.
Comment: This variant is classified as likely benign based on ACMG/AMP sequence variant interpretation guidelines (Richards et al. 2015 PMID: 25741868, with internal and published modifications).

Labcorp Genetics (formerly Invitae), Labcorp
Classification: Likely benign for Peroxisome biogenesis disorder 3A (Zellweger). Last evaluated: 2023-08-29. Review status: criteria provided, single submitter. Criteria: Invitae Variant Classification Sherloc (09022015). Collection method: clinical testing. Allele origin: germline.

NM_000286.3(PEX12):c.861C>T (p.His287=)

Gene: PEX12 (peroxisomal biogenesis factor 12; minus strand). Cytogenetic location: 17q12.
Variant type: single nucleotide variant.
Coding change: c.861C>T on transcript NM_000286.3 (MANE Select); coding-DNA position 861, C replaced by T.
Protein change: p.His287=; no amino-acid change (histidine 287 retained).
Molecular consequence: synonymous variant.
Genome position (GRCh38, 1-based): chr17:35,576,001, G>A on the plus strand (C>T on the coding strand, the complement: PEX12 is on the minus strand). VCF-style: chr17-35576001-G-A. GRCh37 (hg19) VCF-style: chr17-33903020-G-A.
Other names: c.861C>T (NM_000286.2).
Identifiers: ClinVar variation 1081722 (VCV001081722.11), dbSNP rs2072782684, ClinGen allele CA499903575.